The following is an entry in ClinVar:

NM_001110556.2(FLNA):c.5416+4A>G

Gene: FLNA (filamin A; minus strand). Cytogenetic location: Xq28.
Variant type: single nucleotide variant.
Coding change: c.5416+4A>G on transcript NM_001110556.2 (MANE Select); 4 bases into the intron after coding-DNA position 5416, A replaced by G.
Molecular consequence: intron variant.
Genome position (GRCh38, 1-based): chrX:154,354,377, T>C on the plus strand (A>G on the coding strand, the complement: FLNA is on the minus strand). VCF-style: chrX-154354377-T-C. GRCh37 (hg19) VCF-style: chrX-153582745-T-C.
Other names: c.5392+4A>G (NM_001456.4).
Identifiers: ClinVar variation 2941384 (VCV002941384.3), dbSNP rs2522726802, ClinGen allele CA2740090164.

ClinVar aggregate classification (germline): Uncertain significance (1 of 4 stars; one submission).

Conditions:
Oto-palato-digital syndrome, type II (OPD2). Also called: FACIOPALATOOSSEOUS SYNDROME; OPD II SYNDROME; Otopalatodigital Syndrome, Type II; Otopalatodigital Syndrome Type 2 (FLNA-OPD2). Identifiers: Orphanet 669, Orphanet 90652, MedGen C1844696, MONDO:0010571, OMIM 304120.
Heterotopia, periventricular, X-linked dominant (PVNH1). Also called: PERIVENTRICULAR NODULAR HETEROTOPIA 1; X-linked periventricular heterotopia; PERIVENTRICULAR NODULAR HETEROTOPIA 4; HETEROTOPIA, PERIVENTRICULAR, 1. Identifiers: Orphanet 2149, Orphanet 82004, MedGen C1848213, MONDO:0010233, OMIM 300049.
Frontometaphyseal dysplasia (FMD1). Identifiers: Orphanet 1826, MedGen C0265293, MONDO:0015942.
Melnick-Needles syndrome (MNS). Also called: MELNICK-NEEDLES OSTEODYSPLASTY; OSTEODYSPLASTY OF MELNICK AND NEEDLES; Melnick-Needles Syndrome (FLNA-MNS). Identifiers: Orphanet 2484, MedGen C0025237, MONDO:0010650, OMIM 309350.

Submission:

Labcorp Genetics (formerly Invitae), Labcorp
Classification: Uncertain significance for Oto-palato-digital syndrome, type II; Heterotopia, periventricular, X-linked dominant; Frontometaphyseal dysplasia; Melnick-Needles syndrome. Last evaluated: 2024-02-05. Review status: criteria provided, single submitter. Criteria: Invitae Variant Classification Sherloc (09022015). Collection method: clinical testing. Allele origin: germline.
Comment: This sequence change falls in intron 32 of the FLNA gene. It does not directly change the encoded amino acid sequence of the FLNA protein. It affects a nucleotide within the consensus splice site. This variant is not present in population databases (gnomAD no frequency). This variant has not been reported in the literature in individuals affected with FLNA-related conditions. Variants that disrupt the consensus splice site are a relatively common cause of aberrant splicing (PMID: 17576681, 9536098). Algorithms developed to predict the effect of sequence changes on RNA splicing suggest that this variant is not likely to affect RNA splicing. In summary, the available evidence is currently insufficient to determine the role of this variant in disease. Therefore, it has been classified as a Variant of Uncertain Significance.

Literature cited by the submitters: PubMed 17576681; PubMed 9536098.